The following is an entry in ClinVar:

ClinVar aggregate classification (germline): Conflicting classifications of pathogenicity. Review status: criteria provided, conflicting classifications (1 of 4 stars). 3 submissions from 3 submitters: Uncertain significance (2); Likely benign (1). Last evaluated 2025-10-21.

Conditions:
Inborn genetic diseases. Identifiers: MedGen C0950123, MeSH D030342.

Allele frequency attached by ClinVar (database versions not stated): gnomAD exomes 0.00007; ESP Exome Variant Server 0.00008; gnomAD 0.00010; TOPMed 0.00010; ExAC 0.00012.
gnomAD v4.1: 125 of 1,613,190 alleles (0.0077%); highest among the groups gnomAD compares: Middle Eastern, 0.15%; no homozygotes.

Submissions (3):

Labcorp Genetics (formerly Invitae), Labcorp
Classification: Uncertain significance. Last evaluated: 2025-10-21. Review status: criteria provided, single submitter. Criteria: Invitae Variant Classification Sherloc (09022015). Collection method: clinical testing. Allele origin: germline.
Comment: This sequence change replaces isoleucine, which is neutral and non-polar, with methionine, which is neutral and non-polar, at codon 497 of the ALPK1 protein (p.Ile497Met). This variant is present in population databases (rs201649942, gnomAD 0.02%). This variant has not been reported in the literature in individuals affected with ALPK1-related conditions. ClinVar contains an entry for this variant (Variation ID: 2078773). Invitae Evidence Modeling of protein sequence and biophysical properties (such as structural, functional, and spatial information, amino acid conservation, physicochemical variation, residue mobility, and thermodynamic stability) indicates that this missense variant is not expected to disrupt ALPK1 protein function with a negative predictive value of 80%. In summary, the available evidence is currently insufficient to determine the role of this variant in disease. Therefore, it has been classified as a Variant of Uncertain Significance.

CeGaT Center for Human Genetics Tuebingen
Classification: Likely benign. Last evaluated: 2025-10-01. Review status: criteria provided, single submitter. Criteria: CeGaT Center For Human Genetics Tuebingen Variant Classification Criteria Version 2. Collection method: clinical testing. Allele origin: germline. Affected: yes. Observed: 1 variant allele.
Comment: ALPK1: BP4

Ambry Genetics
Classification: Uncertain significance for Inborn genetic diseases. Last evaluated: 2025-05-18. Review status: criteria provided, single submitter. Criteria: Ambry Variant Classification Scheme 2023. Collection method: clinical testing. Allele origin: germline.

NM_025144.4(ALPK1):c.1491A>G (p.Ile497Met)

Gene: ALPK1 (alpha kinase 1; plus strand). Cytogenetic location: 4q25.
Variant type: single nucleotide variant.
Coding change: c.1491A>G on transcript NM_025144.4 (MANE Select); coding-DNA position 1491, A replaced by G.
Protein change: p.Ile497Met; replaces isoleucine 497 with methionine.
Molecular consequence: missense variant.
Genome position (GRCh38, 1-based): chr4:112,431,038, A>G. VCF-style: chr4-112431038-A-G. GRCh37 (hg19) VCF-style: chr4-113352194-A-G.
Other names: c.1491A>G, p.Ile497Met (NM_001102406.2); c.1257A>G, p.Ile419Met (NM_001253884.2); short protein forms I419M, I497M.
Identifiers: ClinVar variation 2078773 (VCV002078773.12), dbSNP rs201649942, ClinGen allele CA3046731.
Genomic context (GRCh38, chr4:112,431,038, plus strand): 5'-CAAAAATGAACAGAAAGATGCAAAAACAGGAGTCTGCATCACTGCTCTAAAAACAGAAAT[A>G]AAAAACATAGATACTGTGAGTACTACTCAAGAAAAGCCACATTGTCAAAGAGACACAGGA-3'
Protein context (NP_079420.3, residues 487-507): GVCITALKTE[Ile497Met]KNIDTVSTTQ